The following is an entry in ClinVar:

ClinVar aggregate classification (germline): Benign (1 of 4 stars; one submission).

Conditions:
Sorsby fundus dystrophy (SFD). Also called: MACULAR DYSTROPHY, HEMORRHAGIC; FUNDUS DYSTROPHY, PSEUDOINFLAMMATORY, OF SORSBY; Sorsby fundus dystrophy, Lavia type. Identifiers: Orphanet 59181, MedGen C1850938, MONDO:0007640, OMIM 136900.

Allele frequency attached by ClinVar (database versions not stated): 1000 Genomes Project 30x 0.00047; 1000 Genomes Project 0.00040; TOPMed 0.00148; gnomAD 0.00126.
gnomAD v4.1: 193 of 152,300 alleles (0.13%); highest among the groups gnomAD compares: Admixed American, 0.29%; 1 homozygote.

Submission:

Illumina Laboratory Services, Illumina
Classification: Benign for Sorsby fundus dystrophy. Last evaluated: 2018-01-12. Review status: criteria provided, single submitter. Criteria: ICSL Variant Classification Criteria 13 December 2019. Collection method: clinical testing. Allele origin: germline.
Comment: This variant was observed in the ICSL laboratory as part of a predisposition screen in an ostensibly healthy population. It had not been previously curated by ICSL or reported in the Human Gene Mutation Database (HGMD: prior to June 1st, 2018), and was therefore a candidate for classification through an automated scoring system. Utilizing variant allele frequency, disease prevalence and penetrance estimates, and inheritance mode, an automated score was calculated to assess if this variant is too frequent to cause the disease. Based on the score and internal cut-off values, a variant classified as benign is not then subjected to further curation. The score for this variant resulted in a classification of benign for this disease.

NM_000362.4(TIMP3):c.-471C>A

Genes: SYN3 (synapsin III; minus strand), TIMP3 (TIMP metallopeptidase inhibitor 3; plus strand). Cytogenetic location: 22q12.3.
Variant type: single nucleotide variant.
Coding change: c.-471C>A on transcript NM_000362.4; 471 bases upstream of the start codon, C replaced by A.
Molecular consequence: intron variant (on NM_003490.4).
Genome position (GRCh38, 1-based): chr22:32,801,531, C>A. VCF-style: chr22-32801531-C-A. GRCh37 (hg19) VCF-style: chr22-33197517-C-A.
Other names: c.708+63384G>T (NM_001369909.1, NM_001135774.2, NM_001369910.1); c.711+63384G>T (NM_001369907.1, NM_003490.4, NM_001369908.1 and 1 more transcripts).
Identifiers: ClinVar variation 341333 (VCV000341333.7), dbSNP rs561308691, ClinGen allele CA10651151.
Genomic context (GRCh38, chr22:32,801,531, plus strand): 5'-CGCGCCCCAGCCCACCCACTCGCGTGCCCACGGCGGCATTATTCCCTATAAGGATCTGAA[C>A]GATCCGGGGGCGGCCCCGCCCCGTTACCCCTTGCCCCCGGCCCCGCCCCCTTTTTGGAGG-3'